The following is an entry in ClinVar:

NM_001304366.2(SAMD7):c.290+2T>C

Gene: SAMD7 (sterile alpha motif domain containing 7; plus strand). Cytogenetic location: 3q26.2.
Variant type: single nucleotide variant.
Coding change: c.290+2T>C on transcript NM_001304366.2 (MANE Select); the canonical splice donor site of the intron after coding-DNA position 290, T replaced by C.
Molecular consequence: splice donor variant.
Genome position (GRCh38, 1-based): chr3:169,925,138, T>C. VCF-style: chr3-169925138-T-C. GRCh37 (hg19) VCF-style: chr3-169642926-T-C.
Other names: c.290+2T>C (NM_182610.4).
Identifiers: ClinVar variation 5006581 (VCV005006581.2).

ClinVar aggregate classification (germline): Uncertain significance (1 of 4 stars; one submission).

Conditions:
Macular dystrophy with or without cone dysfunction (MDCD). Identifiers: MedGen C5935594, MONDO:0958326, OMIM 620762.

gnomAD v4.1: 4 of 1,598,766 alleles (0.00025%); highest among the groups gnomAD compares: East Asian, 0.0067%; no homozygotes.

Submission:

Juno Genomics, Hangzhou Juno Genomics, Inc
Classification: Uncertain significance for Macular dystrophy with or without cone dysfunction. Review status: criteria provided, single submitter. Criteria: ACMG Guidelines, 2015. Collection method: clinical testing. Allele origin: germline.
Comment: Null variant in a gene where loss of function (LOF) is a known mechanism of disease.;Absent from controls (or at extremely low frequency if recessive) in Genome Aggregation Database.